The following is an entry in ClinVar:

NM_000393.5(COL5A2):c.1717G>T (p.Gly573Cys)

Gene: COL5A2 (collagen type V alpha 2 chain; minus strand). Cytogenetic location: 2q32.2.
Variant type: single nucleotide variant.
Coding change: c.1717G>T on transcript NM_000393.5 (MANE Select); coding-DNA position 1717, G replaced by T.
Protein change: p.Gly573Cys; replaces glycine 573 with cysteine.
Molecular consequence: missense variant.
Genome position (GRCh38, 1-based): chr2:189,064,033, C>A on the plus strand (G>T on the coding strand, the complement: COL5A2 is on the minus strand). VCF-style: chr2-189064033-C-A. GRCh37 (hg19) VCF-style: chr2-189928759-C-A.
Other names: short protein forms G573C.
Identifiers: ClinVar variation 4845254 (VCV004845254.1).

ClinVar aggregate classification (germline): Likely pathogenic (0 of 4 stars; one submission).

Conditions:
Aortic aneurysm, familial thoracic 10 (AAT10). Identifiers: MedGen C4284414, MONDO:0014950, OMIM 617168.

Submission:

Diagnostics Centre, Carl Von Ossietzky University Oldenburg
Classification: Likely pathogenic for Aortic aneurysm, familial thoracic 10. Last evaluated: 2025-06-10. Review status: no assertion criteria provided. Collection method: clinical testing. Allele origin: germline. Affected: yes. Observed: 1 variant allele.
Comment: The variant COL5A2:c.1717G>T p.(Gly573Cys), located in the exon 26 of COL5A2 gene results from a guanine-to-thymine substitution at nucleotide position c.1717. The glycine at protein position 537 is replaced by a cysteine. Missense variants in this gene or the affected region are a known disease mechanism and are rare in the general population. The affected protein region has significant levels of missense constrain. In silico tools predict a significant deleterious effect in the protein structure/function (REVEL = 0,96). The variant has not yet been described in Clinvar or in any publications known to us. The variant is classified as very rare since it is absent in gnomAD v4.1.0. In summary, this variant is classified as Likely pathogenic.